The following is an entry in ClinVar:

ClinVar aggregate classification (germline): Uncertain significance (1 of 4 stars; one submission).

Allele frequency attached by ClinVar (database versions not stated): gnomAD exomes below 0.00001; ExAC 0.00001.
gnomAD v4.1: 4 of 1,613,368 alleles (0.00025%); highest among the groups gnomAD compares: Non-Finnish European, 0.00034%; no homozygotes.

Submission:

Labcorp Genetics (formerly Invitae), Labcorp
Classification: Uncertain significance. Last evaluated: 2025-12-20. Review status: criteria provided, single submitter. Criteria: Invitae Variant Classification Sherloc (09022015). Collection method: clinical testing. Allele origin: germline.
Comment: This sequence change replaces aspartic acid, which is acidic and polar, with glycine, which is neutral and non-polar, at codon 718 of the MYO7A protein (p.Asp718Gly). This variant is present in population databases (rs782733109, gnomAD 0.002%). This variant has not been reported in the literature in individuals affected with MYO7A-related conditions. ClinVar contains an entry for this variant (Variation ID: 1502872). Invitae Evidence Modeling of protein sequence and biophysical properties (such as structural, functional, and spatial information, amino acid conservation, physicochemical variation, residue mobility, and thermodynamic stability) indicates that this missense variant is not expected to disrupt MYO7A protein function with a negative predictive value of 95%. In summary, the available evidence is currently insufficient to determine the role of this variant in disease. Therefore, it has been classified as a Variant of Uncertain Significance.

NM_000260.4(MYO7A):c.2153A>G (p.Asp718Gly)

Gene: MYO7A (myosin VIIA; plus strand). Cytogenetic location: 11q13.5.
Variant type: single nucleotide variant.
Coding change: c.2153A>G on transcript NM_000260.4 (MANE Select); coding-DNA position 2153, A replaced by G.
Protein change: p.Asp718Gly; replaces aspartic acid 718 with glycine.
Molecular consequence: missense variant.
Genome position (GRCh38, 1-based): chr11:77,175,430, A>G. VCF-style: chr11-77175430-A-G. GRCh37 (hg19) VCF-style: chr11-76886476-A-G.
Other names: c.2153A>G, p.Asp718Gly (NM_001127180.2); c.2120A>G, p.Asp707Gly (NM_001369365.1); short protein forms D718G, D707G.
Identifiers: ClinVar variation 1502872 (VCV001502872.6), dbSNP rs782733109, ClinGen allele CA6197729.